The following is an entry in ClinVar:

NM_005502.4(ABCA1):c.4850A>G (p.Asn1617Ser)

Gene: ABCA1 (ATP binding cassette subfamily A member 1; minus strand). Cytogenetic location: 9q31.1.
Variant type: single nucleotide variant.
Coding change: c.4850A>G on transcript NM_005502.4 (MANE Select); coding-DNA position 4850, A replaced by G.
Protein change: p.Asn1617Ser; replaces asparagine 1617 with serine.
Molecular consequence: missense variant.
Genome position (GRCh38, 1-based): chr9:104,799,912, T>C on the plus strand (A>G on the coding strand, the complement: ABCA1 is on the minus strand). VCF-style: chr9-104799912-T-C. GRCh37 (hg19) VCF-style: chr9-107562193-T-C.
Other names: short protein forms N1617S.
Identifiers: ClinVar variation 3370960 (VCV003370960.1).

ClinVar aggregate classification (germline): Uncertain significance (1 of 4 stars; one submission).

gnomAD v4.1: 1 of 1,614,158 alleles (0.000062%); highest among the groups gnomAD compares: Non-Finnish European, 0.000085%; no homozygotes.

Submission:

GeneDx
Classification: Uncertain significance. Last evaluated: 2024-03-18. Review status: criteria provided, single submitter. Criteria: GeneDx Variant Classification Process June 2021. Collection method: clinical testing. Allele origin: germline. Affected: yes.
Comment: Has not been previously published as pathogenic or benign to our knowledge; Not observed at significant frequency in large population cohorts (gnomAD); In silico analysis supports that this missense variant does not alter protein structure/function